The following is an entry in ClinVar:

ClinVar aggregate classification (germline): Uncertain significance. Review status: criteria provided, multiple submitters, no conflicts (2 of 4 stars). 2 submissions from 2 submitters: Uncertain significance (2). Last evaluated 2025-10-29.

Conditions:
Imerslund-Grasbeck syndrome. Also called: Megaloblastic anemia due to inborn errors of metabolism; PERNICIOUS ANEMIA, JUVENILE, DUE TO SELECTIVE INTESTINAL MALABSORPTION OF VITAMIN B12, WITH PROTEINURIA; ENTEROCYTE COBALAMIN MALABSORPTION; ENTEROCYTE INTRINSIC FACTOR RECEPTOR, DEFECT OF; Imerslund-Gräsbeck syndrome. Identifiers: Orphanet 35858, MedGen C4551825, MONDO:0009853.
CUBN-related disorder. Also called: CUBN-related condition.

gnomAD v4.1: 10 of 1,613,258 alleles (0.00062%); highest among the groups gnomAD compares: African/African-American, 0.012%; no homozygotes.

Submissions (2):

Labcorp Genetics (formerly Invitae), Labcorp
Classification: Uncertain significance for Imerslund-Grasbeck syndrome. Last evaluated: 2025-10-29. Review status: criteria provided, single submitter. Criteria: Invitae Variant Classification Sherloc (09022015). Collection method: clinical testing. Allele origin: germline.
Comment: This sequence change replaces proline, which is neutral and non-polar, with histidine, which is basic and polar, at codon 3294 of the CUBN protein (p.Pro3294His). This variant is present in population databases (rs775402701, gnomAD 0.03%). This variant has not been reported in the literature in individuals affected with CUBN-related conditions. Invitae Evidence Modeling of protein sequence and biophysical properties (such as structural, functional, and spatial information, amino acid conservation, physicochemical variation, residue mobility, and thermodynamic stability) indicates that this missense variant is expected to disrupt CUBN protein function with a positive predictive value of 80%. In summary, the available evidence is currently insufficient to determine the role of this variant in disease. Therefore, it has been classified as a Variant of Uncertain Significance.

PreventionGenetics, part of Exact Sciences
Classification: Uncertain significance for CUBN-related condition. Last evaluated: 2025-02-03. Review status: criteria provided, single submitter. Criteria: ACMG Guidelines, 2015. Collection method: clinical testing. Allele origin: germline.
Comment: The CUBN c.9881C>A variant is predicted to result in the amino acid substitution p.Pro3294His. To our knowledge, this variant has not been reported in the literature. This variant is reported in 0.025% of alleles in individuals of African descent in gnomAD. At this time, the clinical significance of this variant is uncertain due to the absence of conclusive functional and genetic evidence.

NM_001081.4(CUBN):c.9881C>A (p.Pro3294His)

Gene: CUBN (cubilin; minus strand). Cytogenetic location: 10p13.
Variant type: single nucleotide variant.
Coding change: c.9881C>A on transcript NM_001081.4 (MANE Select); coding-DNA position 9881, C replaced by A.
Protein change: p.Pro3294His; replaces proline 3294 with histidine.
Molecular consequence: missense variant.
Genome position (GRCh38, 1-based): chr10:16,840,481, G>T on the plus strand (C>A on the coding strand, the complement: CUBN is on the minus strand). VCF-style: chr10-16840481-G-T. GRCh37 (hg19) VCF-style: chr10-16882480-G-T.
Other names: short protein forms P3294H.
Identifiers: ClinVar variation 4749630 (VCV004749630.2).